The following is an entry in ClinVar:

NM_006506.5(RASA2):c.2456A>G (p.Lys819Arg)

Gene: RASA2 (RAS p21 protein activator 2; plus strand). Cytogenetic location: 3q23.
Variant type: single nucleotide variant.
Coding change: c.2456A>G on transcript NM_006506.5 (MANE Select); coding-DNA position 2456, A replaced by G.
Protein change: p.Lys819Arg; replaces lysine 819 with arginine.
Molecular consequence: missense variant.
Genome position (GRCh38, 1-based): chr3:141,610,003, A>G. VCF-style: chr3-141610003-A-G. GRCh37 (hg19) VCF-style: chr3-141328845-A-G.
Other names: c.2459A>G, p.Lys820Arg (NM_001303245.3); c.2468A>G, p.Lys823Arg (NM_001303246.3); short protein forms K819R, K823R, K820R.
Identifiers: ClinVar variation 1791545 (VCV001791545.3), dbSNP rs2083612294, ClinGen allele CA354777798.

ClinVar aggregate classification (germline): Uncertain significance (1 of 4 stars; one submission).

Allele frequency attached by ClinVar (database versions not stated): TOPMed below 0.00001.

Submission:

Ambry Genetics
Classification: Uncertain significance. Last evaluated: 2024-08-19. Review status: criteria provided, single submitter. Criteria: Ambry Variant Classification Scheme 2023. Collection method: clinical testing. Allele origin: germline.
Comment: The p.K819R variant (also known as c.2456A>G), located in coding exon 23 of the RASA2 gene, results from an A to G substitution at nucleotide position 2456. The lysine at codon 819 is replaced by arginine, an amino acid with highly similar properties. This amino acid position is conserved. In addition, this alteration is predicted to be tolerated by in silico analysis. Since supporting evidence is limited at this time, the clinical significance of this alteration remains unclear.